The following is an entry in ClinVar:

ClinVar aggregate classification (germline): Uncertain significance (1 of 4 stars; one submission).

gnomAD v4.1: 1 of 1,614,148 alleles (0.000062%); highest among the groups gnomAD compares: African/African-American, 0.0013%; no homozygotes.

Submission:

GeneDx
Classification: Uncertain significance. Last evaluated: 2024-12-20. Review status: criteria provided, single submitter. Criteria: GeneDx Variant Classification Process June 2021. Collection method: clinical testing. Allele origin: germline. Affected: yes.
Comment: Not observed at significant frequency in large population cohorts (gnomAD); Has not been previously published as pathogenic or benign to our knowledge; Located in a regulatory region; in the absence of functional studies, the actual effect of this sequence change is unknown

NM_004453.4(ETFDH):c.-4G>T

Gene: ETFDH (electron transfer flavoprotein dehydrogenase; plus strand). Cytogenetic location: 4q32.1.
Variant type: single nucleotide variant.
Coding change: c.-4G>T on transcript NM_004453.4 (MANE Select); 4 bases upstream of the start codon, G replaced by T.
Molecular consequence: 5 prime UTR variant.
Genome position (GRCh38, 1-based): chr4:158,672,453, G>T. VCF-style: chr4-158672453-G-T. GRCh37 (hg19) VCF-style: chr4-159593605-G-T.
Other names: c.-4G>T (NM_001281737.2).
Identifiers: ClinVar variation 3906298 (VCV003906298.1).